The following is an entry in ClinVar:

NM_001172509.2(SATB2):c.1551G>T (p.Leu517=)

Gene: SATB2 (SATB homeobox 2; minus strand). Cytogenetic location: 2q33.1.
Variant type: single nucleotide variant.
Coding change: c.1551G>T on transcript NM_001172509.2 (MANE Select); coding-DNA position 1551, G replaced by T.
Protein change: p.Leu517=; no amino-acid change (leucine 517 retained).
Molecular consequence: synonymous variant.
Genome position (GRCh38, 1-based): chr2:199,308,949, C>A on the plus strand (G>T on the coding strand, the complement: SATB2 is on the minus strand). VCF-style: chr2-199308949-C-A. GRCh37 (hg19) VCF-style: chr2-200173672-C-A.
Other names: c.1551G>T, p.Leu517= (NM_001172517.1, NM_015265.4).
Identifiers: ClinVar variation 1129853 (VCV001129853.10), dbSNP rs760937399, ClinGen allele CA2045850.

ClinVar aggregate classification (germline): Likely benign. Review status: criteria provided, multiple submitters, no conflicts (2 of 4 stars). 2 submissions from 2 submitters: Likely benign (2). Last evaluated 2024-02-29.

Conditions:
Chromosome 2q32-q33 deletion syndrome (GLASS). Also called: Glass syndrome; 2q33.1 deletion syndrome. Identifiers: Orphanet 251019, MedGen C2676739, MONDO:0012864, OMIM 612313.

Allele frequency attached by ClinVar (database versions not stated): TOPMed 0.00002; ExAC 0.00003; gnomAD 0.00003; gnomAD exomes 0.00004 and 0.00008.
gnomAD v4.1: 116 of 1,614,010 alleles (0.0072%); highest among the groups gnomAD compares: Non-Finnish European, 0.0092%; no homozygotes.

Submissions (2):

Labcorp Genetics (formerly Invitae), Labcorp
Classification: Likely benign for Chromosome 2q32-q33 deletion syndrome. Last evaluated: 2024-02-29. Review status: criteria provided, single submitter. Criteria: Invitae Variant Classification Sherloc (09022015). Collection method: clinical testing. Allele origin: germline.

GeneDx
Classification: Likely benign. Last evaluated: 2021-05-28. Review status: criteria provided, single submitter. Criteria: GeneDx Variant Classification Process June 2021. Collection method: clinical testing. Allele origin: germline. Affected: yes.
Comment: This variant is associated with the following publications: (PMID: 27535533)